The following is an entry in ClinVar:

NM_021813.4(BACH2):c.1078T>A (p.Ser360Thr)

Gene: BACH2 (BACH transcriptional regulator 2; minus strand). Cytogenetic location: 6q15.
Variant type: single nucleotide variant.
Coding change: c.1078T>A on transcript NM_021813.4 (MANE Select); coding-DNA position 1078, T replaced by A.
Protein change: p.Ser360Thr; replaces serine 360 with threonine.
Molecular consequence: missense variant.
Genome position (GRCh38, 1-based): chr6:89,951,028, A>T on the plus strand (T>A on the coding strand, the complement: BACH2 is on the minus strand). VCF-style: chr6-89951028-A-T. GRCh37 (hg19) VCF-style: chr6-90660747-A-T.
Other names: c.1078T>A, p.Ser360Thr (NM_001170794.2); short protein forms S360T.
Identifiers: ClinVar variation 1427540 (VCV001427540.8), dbSNP rs1774063843, ClinGen allele CA365071618.

ClinVar aggregate classification (germline): Uncertain significance (1 of 4 stars; one submission).

Submission:

Labcorp Genetics (formerly Invitae), Labcorp
Classification: Uncertain significance. Last evaluated: 2022-08-16. Review status: criteria provided, single submitter. Criteria: Invitae Variant Classification Sherloc (09022015). Collection method: clinical testing. Allele origin: germline.
Comment: In summary, the available evidence is currently insufficient to determine the role of this variant in disease. Therefore, it has been classified as a Variant of Uncertain Significance. ClinVar contains an entry for this variant (Variation ID: 1427540). This variant has not been reported in the literature in individuals affected with BACH2-related conditions. Algorithms developed to predict the effect of missense changes on protein structure and function (SIFT, PolyPhen-2, Align-GVGD) all suggest that this variant is likely to be tolerated. This variant is not present in population databases (gnomAD no frequency). This sequence change replaces serine, which is neutral and polar, with threonine, which is neutral and polar, at codon 360 of the BACH2 protein (p.Ser360Thr).